The following is an entry in ClinVar:

NM_001184.4(ATR):c.1830G>C (p.Leu610Phe)

Gene: ATR (ATR checkpoint kinase; minus strand). Cytogenetic location: 3q23.
Variant type: single nucleotide variant.
Coding change: c.1830G>C on transcript NM_001184.4 (MANE Select); coding-DNA position 1830, G replaced by C.
Protein change: p.Leu610Phe; replaces leucine 610 with phenylalanine.
Molecular consequence: missense variant.
Genome position (GRCh38, 1-based): chr3:142,558,679, C>G on the plus strand (G>C on the coding strand, the complement: ATR is on the minus strand). VCF-style: chr3-142558679-C-G. GRCh37 (hg19) VCF-style: chr3-142277521-C-G.
Other names: c.1638G>C, p.Leu546Phe (NM_001354579.2); short protein forms L610F, L546F.
Identifiers: ClinVar variation 3462840 (VCV003462840.2).

ClinVar aggregate classification (germline): Uncertain significance. Review status: criteria provided, multiple submitters, no conflicts (2 of 4 stars). 2 submissions from 2 submitters: Uncertain significance (2). Last evaluated 2025-12-31.

Conditions:
Inborn genetic diseases. Identifiers: MedGen C0950123, MeSH D030342.

Submissions (2):

Labcorp Genetics (formerly Invitae), Labcorp
Classification: Uncertain significance. Last evaluated: 2025-12-31. Review status: criteria provided, single submitter. Criteria: Invitae Variant Classification Sherloc (09022015). Collection method: clinical testing. Allele origin: germline.
Comment: This sequence change replaces leucine, which is neutral and non-polar, with phenylalanine, which is neutral and non-polar, at codon 610 of the ATR protein (p.Leu610Phe). This variant is not present in population databases (gnomAD no frequency). This variant has not been reported in the literature in individuals affected with ATR-related conditions. ClinVar contains an entry for this variant (Variation ID: 3462840). An algorithm developed to predict the effect of missense changes on protein structure and function (PolyPhen-2) suggests that this variant is likely to be tolerated. In summary, the available evidence is currently insufficient to determine the role of this variant in disease. Therefore, it has been classified as a Variant of Uncertain Significance.

Ambry Genetics
Classification: Uncertain significance for Inborn genetic diseases. Last evaluated: 2024-09-30. Review status: criteria provided, single submitter. Criteria: Ambry Variant Classification Scheme 2023. Collection method: clinical testing. Allele origin: germline.
Comment: The p.L610F variant (also known as c.1830G>C), located in coding exon 8 of the ATR gene, results from a G to C substitution at nucleotide position 1830. The leucine at codon 610 is replaced by phenylalanine, an amino acid with highly similar properties. This amino acid position is conserved. In addition, this alteration is predicted to be tolerated by in silico analysis. Based on the available evidence, the clinical significance of this variant remains unclear.